The following is an entry in ClinVar:

ClinVar aggregate classification (germline): Uncertain significance (0 of 4 stars; one submission).

Conditions:
HNRNPA2B1-related disorder. Also called: HNRNPA2B1-related condition.

Submission:

PreventionGenetics, part of Exact Sciences
Classification: Uncertain significance for HNRNPA2B1-related condition. Last evaluated: 2023-12-28. Review status: no assertion criteria provided. Collection method: clinical testing. Allele origin: germline.
Comment: The HNRNPA2B1 c.114G>T variant is predicted to result in the amino acid substitution p.Arg38Ser. To our knowledge, this variant has not been reported in the literature or in a large population database, indicating this variant is rare. At this time, the clinical significance of this variant is uncertain due to the absence of conclusive functional and genetic evidence.

NM_002137.4(HNRNPA2B1):c.78G>T (p.Arg26Ser)

Gene: HNRNPA2B1 (heterogeneous nuclear ribonucleoprotein A2/B1; minus strand). Cytogenetic location: 7p15.2.
Variant type: single nucleotide variant.
Coding change: c.78G>T on transcript NM_002137.4 (MANE Select); coding-DNA position 78, G replaced by T.
Protein change: p.Arg26Ser; replaces arginine 26 with serine.
Molecular consequence: missense variant.
Genome position (GRCh38, 1-based): chr7:26,197,661, C>A on the plus strand (G>T on the coding strand, the complement: HNRNPA2B1 is on the minus strand). VCF-style: chr7-26197661-C-A. GRCh37 (hg19) VCF-style: chr7-26237281-C-A.
Other names: c.114G>T, p.Arg38Ser (NM_031243.4); short protein forms R26S, R38S.
Identifiers: ClinVar variation 3348087 (VCV003348087.1).